The following is an entry in ClinVar:

NM_001085487.3(MYSM1):c.219-1G>A

Gene: MYSM1 (Myb like, SWIRM and MPN domains 1; minus strand). Cytogenetic location: 1p32.1.
Variant type: single nucleotide variant.
Coding change: c.219-1G>A on transcript NM_001085487.3 (MANE Select); the canonical splice acceptor site of the intron before coding-DNA position 219, G replaced by A.
Molecular consequence: splice acceptor variant.
Genome position (GRCh38, 1-based): chr1:58,690,418, C>T on the plus strand (G>A on the coding strand, the complement: MYSM1 is on the minus strand). VCF-style: chr1-58690418-C-T. GRCh37 (hg19) VCF-style: chr1-59156090-C-T.
Other names: c.219-1G>A (NM_001085487.2).
Identifiers: ClinVar variation 1514455 (VCV001514455.13), dbSNP rs201886018, ClinGen allele CA878103.

ClinVar aggregate classification (germline): Conflicting classifications of pathogenicity. Review status: criteria provided, conflicting classifications (1 of 4 stars). 5 submissions from 5 submitters: Likely pathogenic (4); Uncertain significance (1). Last evaluated 2026-01-27.

Conditions:
Bone marrow failure syndrome 4. Identifiers: MedGen C4748257, MONDO:0020856, OMIM 618116.
MYSM1-related disorder. Also called: MYSM1-related condition.

Allele frequency attached by ClinVar (database versions not stated): gnomAD exomes 0.00014 and 0.00021; gnomAD 0.00015 and 0.00016; TOPMed 0.00015; ExAC 0.00017; ESP Exome Variant Server 0.00034.
gnomAD v4.1: 320 of 1,583,000 alleles (0.02%); highest among the groups gnomAD compares: Middle Eastern, 0.05%; 1 homozygote.

Submissions (6):

Labcorp Genetics (formerly Invitae), Labcorp
Classification: Likely pathogenic. Last evaluated: 2026-01-27. Review status: criteria provided, single submitter. Criteria: Invitae Variant Classification Sherloc (09022015). Collection method: clinical testing. Allele origin: germline.
Comment: This sequence change affects an acceptor splice site in intron 3 of the MYSM1 gene. It is expected to disrupt RNA splicing. Variants that disrupt the donor or acceptor splice site typically lead to a loss of protein function (PMID: 16199547), and loss-of-function variants in MYSM1 are known to be pathogenic (PMID: 24288411, 28115216). This variant is present in population databases (rs201886018, gnomAD 0.02%). This variant has not been reported in the literature in individuals affected with MYSM1-related conditions. ClinVar contains an entry for this variant (Variation ID: 1514455). Algorithms developed to predict the effect of sequence changes on RNA splicing suggest that this variant may disrupt the consensus splice site. In summary, the currently available evidence indicates that the variant is pathogenic, but additional data are needed to prove that conclusively. Therefore, this variant has been classified as Likely Pathogenic.

Variantyx, Inc.
Classification: Likely pathogenic for Bone marrow failure syndrome 4. Last evaluated: 2025-08-21. Review status: criteria provided, single submitter. Criteria: Variantyx Assertion Criteria 2022. Collection method: clinical testing. Allele origin: germline. Inheritance: Autosomal recessive inheritance. Affected: no.
Comment: This is a canonical splicing variant in the MYSM1 gene (OMIM: 612176). Pathogenic variants in this gene have been associated with autosomal recessive Bone marrow failure syndrome 4. This splicing variant is expected to result in loss of function, which is a known disease mechanism for MYSM1 in this disorder (PMID: 24288411, 28115216, 35776903) (PVS1). This variant has a 0.0240% maximum allele frequency in non-founder control populations (PM2). Based on the current evidence, this variant is classified as likely pathogenic for autosomal recessive Bone marrow failure syndrome 4.

PreventionGenetics, part of Exact Sciences
Classification: Likely pathogenic for MYSM1-related condition. Last evaluated: 2025-08-05. Review status: criteria provided, single submitter. Criteria: ACMG Guidelines, 2015. Collection method: clinical testing. Allele origin: germline.
Comment: The MYSM1 c.219-1G>A variant is predicted to disrupt the AG splice acceptor site and interfere with normal splicing. This variant was reported in a cohort of individuals who underwent hematopoietic cell transplant due to acquired severe aplastic anemia (Table S2A,McReynolds et al. 2022. PubMed ID: 35776903). This variant is reported in 0.023% of alleles in individuals of European (Non-Finnish) descent in gnomAD. Variants that disrupt the consensus splice acceptor site in MYSM1 are expected to be pathogenic. This variant is interpreted as likely pathogenic.

Blueprint Genetics
Classification: Uncertain significance. Last evaluated: 2024-10-16. Review status: criteria provided, single submitter. Criteria: ACMG Guidelines, 2015. Collection method: clinical testing. Allele origin: germline.

Greenwood Genetic Center Diagnostic Laboratories, Greenwood Genetic Center
Classification: Likely pathogenic for Bone marrow failure syndrome 4. Last evaluated: 2022-12-08. Review status: criteria provided, single submitter. Criteria: ACMG Guidelines, 2015. Collection method: clinical testing. Allele origin: germline. Affected: yes.
Comment: PP3_Strong, PM2

Dr. Peter K. Rogan Lab, Western University
No classification provided (evidence only). Condition: Clear cell carcinoma of kidney. Review status: no classification provided. Collection method: in vitro. Allele origin: not applicable. Functional consequence: retained intron. Not counted in ClinVar's aggregate classification.

Literature cited by the submitters: PubMed 16199547 (cited by Labcorp Genetics (formerly Invitae), Labcorp); PubMed 24288411 (cited by Labcorp Genetics (formerly Invitae), Labcorp and Variantyx, Inc.); PubMed 28115216 (cited by Labcorp Genetics (formerly Invitae), Labcorp and Variantyx, Inc.); PubMed 35776903 (cited by Variantyx, Inc.).